The following is an entry in ClinVar:

NM_001040142.2(SCN2A):c.930A>G (p.Thr310=)

Gene: SCN2A (sodium voltage-gated channel alpha subunit 2; plus strand). Cytogenetic location: 2q24.3.
Variant type: single nucleotide variant.
Coding change: c.930A>G on transcript NM_001040142.2 (MANE Select); coding-DNA position 930, A replaced by G.
Protein change: p.Thr310=; no amino-acid change (threonine 310 retained).
Molecular consequence: synonymous variant.
Genome position (GRCh38, 1-based): chr2:165,310,555, A>G. VCF-style: chr2-165310555-A-G. GRCh37 (hg19) VCF-style: chr2-166167065-A-G.
Other names: c.930A>G, p.Thr310= (NM_001040143.2, NM_001371246.1, NM_001371247.1 and 1 more transcripts).
Identifiers: ClinVar variation 3368729 (VCV003368729.1).
Genomic context (GRCh38, chr2:165,310,555, plus strand): 5'-AAATATCACTTCCTTCTTTAACAATTCATTGGATGGGAATGGTACTACTTTCAATAGGAC[A>G]GTGAGCATATTTAACTGGGATGAATATATTGAGGATAAAAGTAAGATATACTCTATAAAC-3'
Protein context (NP_001035232.1, residues 300-320): LDGNGTTFNR[Thr310=]VSIFNWDEYI

ClinVar aggregate classification (germline): Uncertain significance (1 of 4 stars; one submission).

Submission:

GeneDx
Classification: Uncertain significance. Last evaluated: 2024-02-05. Review status: criteria provided, single submitter. Criteria: GeneDx Variant Classification Process June 2021. Collection method: clinical testing. Allele origin: germline. Affected: yes.
Comment: Not observed at significant frequency in large population cohorts (gnomAD); In silico analysis supports a deleterious effect on splicing; Has not been previously published as pathogenic or benign to our knowledge